The following is an entry in ClinVar:

ClinVar aggregate classification (germline): Uncertain significance (1 of 4 stars; one submission).

Submission:

Women's Health and Genetics/Laboratory Corporation of America, LabCorp
Classification: Uncertain significance. Last evaluated: 2025-04-30. Review status: criteria provided, single submitter. Criteria: LabCorp Variant Classification Summary - May 2015. Collection method: clinical testing. Allele origin: germline.
Comment: Variant summary: GCDH c.296A>C (p.Glu99Ala) results in a non-conservative amino acid change in the encoded protein sequence. Five of five in-silico tools predict a damaging effect of the variant on protein function. The variant was absent in 251488 control chromosomes. The available data on variant occurrences in the general population are insufficient to allow any conclusion about variant significance. To our knowledge, no occurrence of c.296A>C in individuals affected with Glutaric Acidemia Type 1 and no experimental evidence demonstrating its impact on protein function have been reported. No submitters have cited clinical-significance assessments for this variant to ClinVar. Based on the evidence outlined above, the variant was classified as uncertain significance.

NM_000159.4(GCDH):c.296A>C (p.Glu99Ala)

Gene: GCDH (glutaryl-CoA dehydrogenase; plus strand). Cytogenetic location: 19p13.13.
Variant type: single nucleotide variant.
Coding change: c.296A>C on transcript NM_000159.4 (MANE Select); coding-DNA position 296, A replaced by C.
Protein change: p.Glu99Ala; replaces glutamic acid 99 with alanine.
Molecular consequence: missense variant. On other transcripts: non-coding transcript variant (1).
Genome position (GRCh38, 1-based): chr19:12,892,140, A>C. VCF-style: chr19-12892140-A-C. GRCh37 (hg19) VCF-style: chr19-13002954-A-C.
Other names: c.296A>C, p.Glu99Ala (NM_013976.5); short protein forms E99A.
Identifiers: ClinVar variation 3896527 (VCV003896527.2).